The following is an entry in ClinVar:

ClinVar aggregate classification (germline): Pathogenic (1 of 4 stars; one submission).

Conditions:
Osteogenesis imperfecta type I (OI1). Also called: Lobstein's Disease; Lobstein disease; Classic Non-deforming Osteogenesis Imperfecta with Blue Sclerae; OI, TYPE I; OSTEOGENESIS IMPERFECTA TARDA; OSTEOGENESIS IMPERFECTA WITH BLUE SCLERAE. Identifiers: Orphanet 216796, Orphanet 666, MedGen C0023931, MONDO:0008146, OMIM 166200. Disease mechanism: loss of function.

Submission:

Labcorp Genetics (formerly Invitae), Labcorp
Classification: Pathogenic for Osteogenesis imperfecta type I. Last evaluated: 2024-11-13. Review status: criteria provided, single submitter. Criteria: Invitae Variant Classification Sherloc (09022015). Collection method: clinical testing. Allele origin: germline.
Comment: This sequence change creates a premature translational stop signal (p.Lys1270*) in the COL1A1 gene. It is expected to result in an absent or disrupted protein product. Loss-of-function variants in COL1A1 are known to be pathogenic (PMID: 7942841, 9295084, 9443882). This variant is not present in population databases (gnomAD no frequency). This variant has not been reported in the literature in individuals affected with COL1A1-related conditions. Algorithms developed to predict the effect of sequence changes on RNA splicing suggest that this variant may disrupt the consensus splice site. For these reasons, this variant has been classified as Pathogenic.

Literature cited by the submitters: PubMed 7942841; PubMed 9295084; PubMed 9443882.

NM_000088.4(COL1A1):c.3808A>T (p.Lys1270Ter)

Gene: COL1A1 (collagen type I alpha 1 chain; minus strand). Cytogenetic location: 17q21.33.
Variant type: single nucleotide variant.
Coding change: c.3808A>T on transcript NM_000088.4 (MANE Select); coding-DNA position 3808, A replaced by T.
Protein change: p.Lys1270Ter; replaces lysine 1270 with a stop codon.
Molecular consequence: nonsense.
Genome position (GRCh38, 1-based): chr17:50,186,646, T>A on the plus strand (A>T on the coding strand, the complement: COL1A1 is on the minus strand). VCF-style: chr17-50186646-T-A. GRCh37 (hg19) VCF-style: chr17-48264007-T-A.
Other names: short protein forms K1270*.
Identifiers: ClinVar variation 3725208 (VCV003725208.2).